The following is an entry in ClinVar:

ClinVar aggregate classification (germline): Likely benign. Review status: criteria provided, multiple submitters, no conflicts (2 of 4 stars). 3 submissions from 3 submitters: Likely benign (2). 1 of the submissions does not count toward it. Last evaluated 2025-05-28.

Conditions:
IFT172-related disorder. Also called: IFT172-related condition; IFT172-related disorders.
Retinitis pigmentosa 71 (RP71). Identifiers: Orphanet 791, MedGen C4225342, MONDO:0014618, OMIM 616394.
Short-rib thoracic dysplasia 10 with or without polydactyly (SRTD10). Identifiers: Orphanet 474, MedGen C3810175, MONDO:0014284, OMIM 615630.

Allele frequency attached by ClinVar (database versions not stated): gnomAD exomes 0.00001 and 0.00003; ExAC 0.00003; gnomAD 0.00003; TOPMed 0.00004.
gnomAD v4.1: 16 of 1,613,942 alleles (0.00099%); highest among the groups gnomAD compares: African/African-American, 0.011%; no homozygotes.

Submissions (3):

Labcorp Genetics (formerly Invitae), Labcorp
Classification: Likely benign for Retinitis pigmentosa 71; Short-rib thoracic dysplasia 10 with or without polydactyly. Last evaluated: 2025-05-28. Review status: criteria provided, single submitter. Criteria: Invitae Variant Classification Sherloc (09022015). Collection method: clinical testing. Allele origin: germline.

Blueprint Genetics
Classification: Likely benign. Last evaluated: 2024-08-12. Review status: criteria provided, single submitter. Criteria: ACMG Guidelines, 2015. Collection method: clinical testing. Allele origin: germline.

PreventionGenetics, part of Exact Sciences
Classification: Likely benign for IFT172-related condition. Last evaluated: 2021-07-27. Review status: no assertion criteria provided. Collection method: clinical testing. Allele origin: germline. Not counted in ClinVar's aggregate classification.
Comment: This variant is classified as likely benign based on ACMG/AMP sequence variant interpretation guidelines (Richards et al. 2015 PMID: 25741868, with internal and published modifications).

NM_015662.3(IFT172):c.3159C>T (p.Leu1053=)

Gene: IFT172 (intraflagellar transport 172; minus strand). Cytogenetic location: 2p23.3.
Variant type: single nucleotide variant.
Coding change: c.3159C>T on transcript NM_015662.3 (MANE Select); coding-DNA position 3159, C replaced by T.
Protein change: p.Leu1053=; no amino-acid change (leucine 1053 retained).
Molecular consequence: synonymous variant.
Genome position (GRCh38, 1-based): chr2:27,457,708, G>A on the plus strand (C>T on the coding strand, the complement: IFT172 is on the minus strand). VCF-style: chr2-27457708-G-A. GRCh37 (hg19) VCF-style: chr2-27680575-G-A.
Identifiers: ClinVar variation 742392 (VCV000742392.13), dbSNP rs751712354, ClinGen allele CA1580067.